The following is an entry in ClinVar:

ClinVar aggregate classification (germline): Pathogenic (1 of 4 stars; one submission).

Conditions:
Axenfeld-Rieger syndrome type 3 (RIEG3). Also called: AXENFELD-RIEGER ANOMALY WITH CARDIAC DEFECTS AND/OR SENSORINEURAL HEARING LOSS. Identifiers: Orphanet 782, MedGen C2678503, MONDO:0011233, OMIM 602482.

Submission:

Labcorp Genetics (formerly Invitae), Labcorp
Classification: Pathogenic for Axenfeld-Rieger syndrome type 3. Last evaluated: 2023-12-11. Review status: criteria provided, single submitter. Criteria: Invitae Variant Classification Sherloc (09022015). Collection method: clinical testing. Allele origin: germline.
Comment: This sequence change replaces glutamine, which is neutral and polar, with proline, which is neutral and non-polar, at codon 92 of the FOXC1 protein (p.Gln92Pro). This variant is not present in population databases (gnomAD no frequency). This missense change has been observed in individual(s) with Axenfeld-Rieger syndrome and/or clinical features of anterior segment dysgenesis (PMID: 34745210; Invitae). In at least one individual the variant was observed to be de novo. ClinVar contains an entry for this variant (Variation ID: 1466390). An algorithm developed to predict the effect of missense changes on protein structure and function (PolyPhen-2) suggests that this variant is likely to be disruptive. For these reasons, this variant has been classified as Pathogenic.

Literature cited by the submitters: PubMed 34745210.

NM_001453.3(FOXC1):c.275A>C (p.Gln92Pro)

Genes: FOXC1 (forkhead box C1; plus strand), LOC129995601 (ATAC-STARR-seq lymphoblastoid active region 23864; plus strand). Cytogenetic location: 6p25.3.
Variant type: single nucleotide variant.
Coding change: c.275A>C on transcript NM_001453.3 (MANE Select); coding-DNA position 275, A replaced by C.
Protein change: p.Gln92Pro; replaces glutamine 92 with proline.
Molecular consequence: missense variant.
Genome position (GRCh38, 1-based): chr6:1,610,720, A>C. VCF-style: chr6-1610720-A-C. GRCh37 (hg19) VCF-style: chr6-1610955-A-C.
Other names: short protein forms Q92P.
Identifiers: ClinVar variation 1466390 (VCV001466390.6), dbSNP rs2113111355, ClinGen allele CA362558453.
Genomic context (GRCh38, chr6:1,610,720, plus strand): 5'-AGCCCAAGGACATGGTGAAGCCGCCCTATAGCTACATCGCGCTCATCACCATGGCCATCC[A>C]GAACGCCCCGGACAAGAAGATCACCCTGAACGGCATCTACCAGTTCATCATGGACCGCTT-3'
Protein context (NP_001444.2, residues 82-102): SYIALITMAI[Gln92Pro]NAPDKKITLN